The following is an entry in ClinVar:

NM_000553.6(WRN):c.382C>T (p.Leu128Phe)

Gene: WRN (WRN RecQ like helicase; plus strand). Cytogenetic location: 8p12.
Variant type: single nucleotide variant.
Coding change: c.382C>T on transcript NM_000553.6 (MANE Select); coding-DNA position 382, C replaced by T.
Protein change: p.Leu128Phe; replaces leucine 128 with phenylalanine.
Molecular consequence: missense variant.
Genome position (GRCh38, 1-based): chr8:31,064,941, C>T. VCF-style: chr8-31064941-C-T. GRCh37 (hg19) VCF-style: chr8-30922457-C-T.
Other names: short protein forms L128F.
Identifiers: ClinVar variation 950891 (VCV000950891.5), dbSNP rs1812635765, ClinGen allele CA370914639.

ClinVar aggregate classification (germline): Uncertain significance (1 of 4 stars; one submission).

Conditions:
Werner syndrome (WRN). Identifiers: Orphanet 902, MedGen C0043119, MONDO:0010196, OMIM 277700.

Submission:

Labcorp Genetics (formerly Invitae), Labcorp
Classification: Uncertain significance for Werner syndrome. Last evaluated: 2019-07-27. Review status: criteria provided, single submitter. Criteria: Invitae Variant Classification Sherloc (09022015). Collection method: clinical testing. Allele origin: germline.
Comment: In summary, the available evidence is currently insufficient to determine the role of this variant in disease. Therefore, it has been classified as a Variant of Uncertain Significance. Algorithms developed to predict the effect of missense changes on protein structure and function are either unavailable or do not agree on the potential impact of this missense change (SIFT: "Deleterious"; PolyPhen-2: "Probably Damaging"; Align-GVGD: "C0"). This variant has not been reported in the literature in individuals with WRN-related conditions. This variant is not present in population databases (ExAC no frequency). This sequence change replaces leucine with phenylalanine at codon 128 of the WRN protein (p.Leu128Phe). The leucine residue is highly conserved and there is a small physicochemical difference between leucine and phenylalanine.